The following is an entry in ClinVar:

ClinVar aggregate classification (germline): Uncertain significance (1 of 4 stars; one submission).

gnomAD v4.1: 29 of 1,609,524 alleles (0.0018%); highest among the groups gnomAD compares: East Asian, 0.063%; no homozygotes.

Submission:

Labcorp Genetics (formerly Invitae), Labcorp
Classification: Uncertain significance. Last evaluated: 2021-09-21. Review status: criteria provided, single submitter. Criteria: Invitae Variant Classification Sherloc (09022015). Collection method: clinical testing. Allele origin: germline.
Comment: This sequence change replaces serine with asparagine at codon 102 of the MCPH1 protein (p.Ser102Asn). The serine residue is weakly conserved and there is a small physicochemical difference between serine and asparagine. This variant is present in population databases (rs2290145, ExAC 0.06%). This variant has not been reported in the literature in individuals affected with MCPH1-related conditions. Algorithms developed to predict the effect of missense changes on protein structure and function output the following: SIFT: "Not Available"; PolyPhen-2: "Probably Damaging"; Align-GVGD: "Not Available". The asparagine amino acid residue is found in multiple mammalian species, which suggests that this missense change does not adversely affect protein function. In summary, the available evidence is currently insufficient to determine the role of this variant in disease. Therefore, it has been classified as a Variant of Uncertain Significance.

NM_024596.5(MCPH1):c.305G>A (p.Ser102Asn)

Gene: MCPH1 (microcephalin 1; plus strand). Cytogenetic location: 8p23.1.
Variant type: single nucleotide variant.
Coding change: c.305G>A on transcript NM_024596.5 (MANE Select); coding-DNA position 305, G replaced by A.
Protein change: p.Ser102Asn; replaces serine 102 with asparagine.
Molecular consequence: missense variant. On other transcripts: non-coding transcript variant (1).
Genome position (GRCh38, 1-based): chr8:6,431,570, G>A. VCF-style: chr8-6431570-G-A. GRCh37 (hg19) VCF-style: chr8-6289091-G-A.
Other names: c.305G>A, p.Ser102Asn (NM_001172574.2, NM_001172575.2, NM_001322042.2 and 2 more transcripts); c.299G>A, p.Ser100Asn (NM_001322043.2); c.203G>A, p.Ser68Asn (NM_001322045.2); short protein forms S100N, S68N, S102N.
Identifiers: ClinVar variation 1376537 (VCV001376537.3), dbSNP rs2290145, ClinGen allele CA4610163.